The following is an entry in ClinVar:

ClinVar aggregate classification (germline): Uncertain significance (1 of 4 stars; one submission).

Submission:

Ambry Genetics
Classification: Uncertain significance. Last evaluated: 2024-06-11. Review status: criteria provided, single submitter. Criteria: Ambry Variant Classification Scheme 2023. Collection method: clinical testing. Allele origin: germline.
Comment: The p.M540I variant (also known as c.1620G>C), located in coding exon 16 of the NEBL gene, results from a G to C substitution at nucleotide position 1620. The methionine at codon 540 is replaced by isoleucine, an amino acid with highly similar properties. This amino acid position is conserved. In addition, this alteration is predicted to be tolerated by in silico analysis. Based on the available evidence, the clinical significance of this variant remains unclear.

NM_006393.3(NEBL):c.1620G>C (p.Met540Ile)

Gene: NEBL (nebulette; minus strand). Cytogenetic location: 10p12.31.
Variant type: single nucleotide variant.
Coding change: c.1620G>C on transcript NM_006393.3 (MANE Select); coding-DNA position 1620, G replaced by C.
Protein change: p.Met540Ile; replaces methionine 540 with isoleucine.
Molecular consequence: missense variant. On other transcripts: intron variant (9).
Genome position (GRCh38, 1-based): chr10:20,831,247, C>G on the plus strand (G>C on the coding strand, the complement: NEBL is on the minus strand). VCF-style: chr10-20831247-C-G. GRCh37 (hg19) VCF-style: chr10-21120176-C-G.
Other names: c.250-18307G>C (NM_001377326.1, NM_001377327.1, NM_001377328.1); c.358-18307G>C (NM_213569.2, NM_001173484.2, NM_001377322.1); c.301-18307G>C (NM_001377324.1); c.292-18307G>C (NM_001377325.1); c.310-18307G>C (NM_001377323.1); short protein forms M540I.
Identifiers: ClinVar variation 3299118 (VCV003299118.1).
Genomic context (GRCh38, chr10:20,831,247, plus strand): 5'-ATGACCAACCTGGCTATAGATTTCAGATGTCCTCTTGGCTCGAAGGATATCTGGGATATC[C>G]ATGCTCACTTGCATTCCTTTCCCTTTAATTTCATTTTCTAAGTCCTTCTTGTATTGTTTC-3'
Protein context (NP_006384.1, residues 530-550): EIKGKGMQVS[Met540Ile]DIPDILRAKR